The following is an entry in ClinVar:

NM_000051.4(ATM):c.4666T>C (p.Tyr1556His)

Gene: ATM (ATM serine/threonine kinase; plus strand). Cytogenetic location: 11q22.3.
Variant type: single nucleotide variant.
Coding change: c.4666T>C on transcript NM_000051.4 (MANE Select); coding-DNA position 4666, T replaced by C.
Protein change: p.Tyr1556His; replaces tyrosine 1556 with histidine.
Molecular consequence: missense variant.
Genome position (GRCh38, 1-based): chr11:108,293,367, T>C. VCF-style: chr11-108293367-T-C. GRCh37 (hg19) VCF-style: chr11-108164094-T-C.
Other names: c.4666T>C, p.Tyr1556His (NM_001351834.2); short protein forms Y1556H.
Identifiers: ClinVar variation 140851 (VCV000140851.26), dbSNP rs587781320, ClinGen allele CA163737.
Genomic context (GRCh38, chr11:108,293,367, plus strand): 5'-ATTTAGGTATTGGACTTGTTGAAATACTTAGTGATAGATAACAAGGATAATGAAAACCTC[T>C]ATATCACGATTAAGCTTTTAGATCCTTTTCCTGACCATGTTGTTTTTAAGGATTTGCGTA-3'
Protein context (NP_000042.3, residues 1546-1566): VIDNKDNENL[Tyr1556His]ITIKLLDPFP

ClinVar aggregate classification (germline): Conflicting classifications of pathogenicity. Review status: criteria provided, conflicting classifications (1 of 4 stars). 11 submissions from 11 submitters: Uncertain significance (7); Likely benign (1). 3 of the submissions do not count toward it. Last evaluated 2026-06-30.

Conditions:
Ataxia-telangiectasia syndrome (AT). Also called: Ataxia-telangiectasia, complementation group D; Ataxia-telangiectasia, complementation group E; Cerebello-oculocutaneous telangiectasia; Immunodeficiency with ataxia telangiectasia; LOUIS-BAR SYNDROME; Ataxia telangiectasia (A-T). Identifiers: Orphanet 100, MedGen C0004135, MONDO:0008840, OMIM 208900.
Familial cancer of breast. Also called: Hereditary breast cancer; hereditary breast carcinoma; BREAST CANCER, FAMILIAL. Identifiers: Orphanet 227535, MedGen C0346153, MONDO:0016419, OMIM 114480. Disease mechanism: loss of function.
Hereditary cancer-predisposing syndrome. Also called: Neoplastic Syndromes, Hereditary; Tumor predisposition; Hereditary neoplastic syndrome; Hereditary Cancer Syndrome. Identifiers: Orphanet 140162, MedGen C0027672, MeSH D009386, MONDO:0015356.

Allele frequency attached by ClinVar (database versions not stated): ExAC 0.00001; gnomAD 0.00001; gnomAD exomes 0.00001 and 0.00002; TOPMed 0.00002.
gnomAD v4.1: 30 of 1,596,630 alleles (0.0019%); highest among the groups gnomAD compares: Non-Finnish European, 0.0025%; no homozygotes.

Submissions (11):

Women's Health and Genetics/Laboratory Corporation of America, LabCorp
Classification: Uncertain significance. Last evaluated: 2026-06-30. Review status: criteria provided, single submitter. Criteria: LabCorp Variant Classification Summary - May 2015. Collection method: clinical testing. Allele origin: germline.
Comment: Variant summary: ATM c.4666T>C (p.Tyr1556His) results in a conservative amino acid change in the encoded protein sequence. Algorithms developed to predict the effect of missense changes on protein structure and function all suggest that this variant is likely to be tolerated. The variant allele was found at a frequency of 1.2e-05 in 250426 control chromosomes. The available data on variant occurrences in the general population are insufficient to allow any conclusion about variant significance. To our knowledge, no occurrence of c.4666T>C in individuals affected with ATM-related conditions and no experimental evidence demonstrating its impact on protein function have been reported. ClinVar contains an entry for this variant (Variation ID: 140851). Based on the evidence outlined above, the variant was classified as uncertain significance.

Labcorp Genetics (formerly Invitae), Labcorp
Classification: Uncertain significance for Ataxia-telangiectasia syndrome. Last evaluated: 2025-08-07. Review status: criteria provided, single submitter. Criteria: Invitae Variant Classification Sherloc (09022015). Collection method: clinical testing. Allele origin: germline.
Comment: This sequence change replaces tyrosine, which is neutral and polar, with histidine, which is basic and polar, at codon 1556 of the ATM protein (p.Tyr1556His). This variant is present in population databases (rs587781320, gnomAD 0.003%). This variant has not been reported in the literature in individuals affected with ATM-related conditions. ClinVar contains an entry for this variant (Variation ID: 140851). Invitae Evidence Modeling of protein sequence and biophysical properties (such as structural, functional, and spatial information, amino acid conservation, physicochemical variation, residue mobility, and thermodynamic stability) indicates that this missense variant is not expected to disrupt ATM protein function with a negative predictive value of 95%. In summary, the available evidence is currently insufficient to determine the role of this variant in disease. Therefore, it has been classified as a Variant of Uncertain Significance.

Ambry Genetics
Classification: Likely benign for Hereditary cancer-predisposing syndrome. Last evaluated: 2024-12-09. Review status: criteria provided, single submitter. Criteria: Ambry Variant Classification Scheme 2023. Collection method: clinical testing. Allele origin: germline.

Color Diagnostics, LLC DBA Color Health
Classification: Uncertain significance for Hereditary cancer-predisposing syndrome. Last evaluated: 2024-09-16. Review status: criteria provided, single submitter. Criteria: ACMG Guidelines, 2015. Collection method: clinical testing. Allele origin: germline.
Comment: This missense variant replaces tyrosine with histidine at codon 1556 of the ATM protein. Computational prediction suggests that this variant may not impact protein structure and function. To our knowledge, functional studies have not been reported for this variant. This variant has not been reported in individuals affected with ATM-related disorders in the literature. This variant has been identified in 4/281808 chromosomes in the general population by the Genome Aggregation Database (gnomAD). The available evidence is insufficient to determine the role of this variant in disease conclusively. Therefore, this variant is classified as a Variant of Uncertain Significance.

Quest Diagnostics Nichols Institute San Juan Capistrano
Classification: Uncertain significance. Last evaluated: 2024-06-06. Review status: criteria provided, single submitter. Criteria: Quest Diagnostics criteria. Collection method: clinical testing. Allele origin: unknown.

Baylor Genetics
Classification: Uncertain significance for Familial cancer of breast. Last evaluated: 2024-02-01. Review status: criteria provided, single submitter. Criteria: ACMG Guidelines, 2015. Collection method: clinical testing. Allele origin: unknown.

Fulgent Genetics
Classification: Uncertain significance for Familial cancer of breast; Ataxia-telangiectasia syndrome. Last evaluated: 2024-01-02. Review status: criteria provided, single submitter. Criteria: ACMG Guidelines, 2015. Collection method: clinical testing. Allele origin: germline.

GeneDx
Classification: Uncertain significance. Last evaluated: 2016-09-07. Review status: criteria provided, single submitter. Criteria: GeneDx Variant Classification (06012015). Collection method: clinical testing. Allele origin: germline. Affected: yes.
Comment: This variant is denoted ATM c.4666T>C at the cDNA level, p.Tyr1556His (Y1556H) at the protein level, and results in the change of a Tyrosine to a Histidine (TAT>CAT). This variant has not, to our knowledge, been published in the literature as pathogenic or benign. ATM Tyr1556His was not observed in approximately 6,500 individuals of European and African American ancestry in the NHLBI Exome Sequencing Project, suggesting it is not a common benign variant in these populations. Since Tyrosine and Histidine differ in polarity, charge, size or other properties, this is considered a non-conservative amino acid substitution. ATM Tyr1556His occurs at a position that is not conserved and is not located in a known functional domain (Tavtigian 2009, Stracker 2013). In silico analyses predict that this variant is unlikely to alter protein structure or function. Based on currently available evidence, it is unclear whether ATM Tyr1556His is a pathogenic or benign variant. We consider it to be a variant of uncertain significance.

Natera, Inc.
Classification: Uncertain significance for Ataxia-telangiectasia. Last evaluated: 2020-09-16. Review status: no assertion criteria provided. Collection method: clinical testing. Allele origin: germline. Not counted in ClinVar's aggregate classification.

Clinical Genetics DNA and cytogenetics Diagnostics Lab, Erasmus MC, Erasmus Medical Center
Classification: Likely benign. Review status: no assertion criteria provided. Collection method: clinical testing. Allele origin: germline. Affected: yes. Study: VKGL Data-share Consensus. Not counted in ClinVar's aggregate classification.

Joint Genome Diagnostic Labs from Nijmegen and Maastricht, Radboudumc and MUMC+
Classification: Likely benign. Review status: no assertion criteria provided. Collection method: clinical testing. Allele origin: germline. Affected: yes. Study: VKGL Data-share Consensus. Not counted in ClinVar's aggregate classification.

Literature cited by the submitters: PubMed 28652578 (cited by Ambry Genetics and Quest Diagnostics Nichols Institute San Juan Capistrano); PubMed 33471991 (cited by Quest Diagnostics Nichols Institute San Juan Capistrano).